The following is an entry in ClinVar:

ClinVar aggregate classification (germline): Uncertain significance (1 of 4 stars; one submission).

Conditions:
Intellectual developmental disorder, X-linked, syndromic 33. Also called: Intellectual disability, X-linked, syndromic 33; X-linked intellectual disability-global development delay-facial dysmorphism-sacral caudal remnant syndrome. Identifiers: Orphanet 480907, MedGen C4225418, MONDO:0010500, OMIM 300966.

Submission:

Victorian Clinical Genetics Services, Murdoch Childrens Research Institute
Classification: Uncertain significance for Intellectual developmental disorder, X-linked, syndromic 33. Last evaluated: 2026-01-20. Review status: criteria provided, single submitter. Criteria: ACMG Guidelines, 2015. Collection method: clinical testing. Allele origin: germline. Affected: yes.
Comment: This variant is classified as VUS-3A. Evidence in support of pathogenic classification: Variant is absent from gnomAD (v2, v3 and v4); Missense variant predicted to be damaging by in silico tool(s) or highly conserved with a major amino acid change. Additional information: Variant is predicted to result in a missense amino acid change from Arg to Leu; This variant is hemizygous; This gene is associated with X-linked disease. Females with heterozygous variants can be asymptomatic, however, there have been reports of affected females, usually with a milder form of disease (PMID: 20301662, 36879111); Alternative amino acid change(s) at the same position are present in gnomAD (highest allele count: v4: 3 heterozygote(s), 0 homozygote(s)). - Previous evidence of pathogenicity for this variant is inconclusive. This variant has been reported in two individuals in a large neurodevelopmental disorders cohort, however no specific clinical information is provided (PMID: 33004838); No published evidence of segregation with disease has been identified for this variant; No published functional evidence has been identified for this variant; Another missense variant comparable to the one identified in this case has inconclusive previous evidence for pathogenicity. The p.(Arg1379His) variant has been reported in one individual in a large neurodevelopmental disorders cohort, however no specific clinical information was provided (PMID: 33004838); Variant is not located in an established domain, motif, hotspot or informative constraint region; Loss of function is a likely mechanism of disease in this gene and is associated with intellectual developmental disorder, X-linked, syndromic 33 (MIM#300966).

Literature cited by the submitters: PubMed 36879111; PubMed 33004838; PubMed 20301662.

NM_004606.5(TAF1):c.4136G>T (p.Arg1379Leu)

Gene: TAF1 (TATA-box binding protein associated factor 1; plus strand). Cytogenetic location: Xq13.1.
Variant type: single nucleotide variant.
Coding change: c.4136G>T on transcript NM_004606.5 (MANE Select); coding-DNA position 4136, G replaced by T.
Protein change: p.Arg1379Leu; replaces arginine 1379 with leucine.
Molecular consequence: missense variant. On other transcripts: non-coding transcript variant (9).
Genome position (GRCh38, 1-based): chrX:71,407,602, G>T. VCF-style: chrX-71407602-G-T. GRCh37 (hg19) VCF-style: chrX-70627452-G-T.
Other names: c.4136G>T, p.Arg1379Leu (NM_001286074.2, NM_001440852.1, NM_001440853.1); c.4073G>T, p.Arg1358Leu (NM_001440854.1, NM_138923.4); short protein forms R1358L, R1379L.
Identifiers: ClinVar variation 4819055 (VCV004819055.1).